The following is an entry in ClinVar:

NM_001035.3(RYR2):c.12898_12899delinsCC (p.Ser4300Pro)

Genes: RYR2 (ryanodine receptor 2; plus strand), LOC126806068 (BRD4-independent group 4 enhancer GRCh37_chr1:237947411-237948610; plus strand). Cytogenetic location: 1q43.
Variant type: Indel.
Coding change: c.12898_12899delinsCC on transcript NM_001035.3 (MANE Select); coding-DNA positions 12898 to 12899, AG replaced by CC.
Protein change: p.Ser4300Pro; replaces serine 4300 with proline.
Molecular consequence: missense variant.
Genome position (GRCh38, 1-based): chr1:237,784,610-237,784,611, AG replaced by CC. VCF-style: chr1-237784610-AG-CC. GRCh37 (hg19) VCF-style: chr1-237947910-AG-CC.
Other names: short protein forms S4300P.
Identifiers: ClinVar variation 1810190 (VCV001810190.3), dbSNP rs2527794731, ClinGen allele CA2580062470.

ClinVar aggregate classification (germline): Uncertain significance. Review status: criteria provided, multiple submitters, no conflicts (2 of 4 stars). 2 submissions from 2 submitters: Uncertain significance (2). Last evaluated 2024-11-29.

Conditions:
Catecholaminergic polymorphic ventricular tachycardia 1. Also called: RYR2-Related Catecholaminergic Polymorphic Ventricular Tachycardia; VENTRICULAR TACHYCARDIA, STRESS-INDUCED POLYMORPHIC 1; VENTRICULAR TACHYCARDIA, CATECHOLAMINERGIC POLYMORPHIC, 1, WITH OR WITHOUT ATRIAL DYSFUNCTION AND/OR DILATED CARDIOMYOPATHY. Identifiers: Orphanet 3286, MedGen C1631597, MONDO:0011484, OMIM 604772.

Submissions (2):

Labcorp Genetics (formerly Invitae), Labcorp
Classification: Uncertain significance for Catecholaminergic polymorphic ventricular tachycardia 1. Last evaluated: 2024-11-29. Review status: criteria provided, single submitter. Criteria: Invitae Variant Classification Sherloc (09022015). Collection method: clinical testing. Allele origin: germline.
Comment: This sequence change replaces serine, which is neutral and polar, with proline, which is neutral and non-polar, at codon 4300 of the RYR2 protein (p.Ser4300Pro). Information on the frequency of this variant in the gnomAD database is not available, as this variant may be reported differently in the database. This variant has not been reported in the literature in individuals affected with RYR2-related conditions. ClinVar contains an entry for this variant (Variation ID: 1810190). An algorithm developed to predict the effect of missense changes on protein structure and function (PolyPhen-2) suggests that this variant is likely to be disruptive. In summary, the available evidence is currently insufficient to determine the role of this variant in disease. Therefore, it has been classified as a Variant of Uncertain Significance.

GeneDx
Classification: Uncertain significance. Last evaluated: 2022-07-01. Review status: criteria provided, single submitter. Criteria: GeneDx Variant Classification Process June 2021. Collection method: clinical testing. Allele origin: germline. Affected: yes.
Comment: Not observed at significant frequency in large population cohorts (gnomAD); In silico analysis supports a deleterious effect on protein structure/function; Has not been previously published as pathogenic or benign to our knowledge; Located in one of the three hot-spot regions of the RYR2 gene, where the majority of pathogenic missense variants occur (Medeiros-Domingo et al., 2009)